The following is an entry in ClinVar:

NM_001271696.3(ABCB7):c.814C>T (p.Leu272Phe)

Gene: ABCB7 (ATP binding cassette subfamily B member 7; minus strand). Cytogenetic location: Xq13.3.
Variant type: single nucleotide variant.
Coding change: c.814C>T on transcript NM_001271696.3 (MANE Select); coding-DNA position 814, C replaced by T.
Protein change: p.Leu272Phe; replaces leucine 272 with phenylalanine.
Molecular consequence: missense variant.
Genome position (GRCh38, 1-based): chrX:75,075,403, G>A on the plus strand (C>T on the coding strand, the complement: ABCB7 is on the minus strand). VCF-style: chrX-75075403-G-A. GRCh37 (hg19) VCF-style: chrX-74295238-G-A.
Other names: c.694C>T, p.Leu232Phe (NM_001271697.3); c.736C>T, p.Leu246Phe (NM_001271698.3); c.697C>T, p.Leu233Phe (NM_001271699.3); c.817C>T, p.Leu273Phe (NM_004299.6); c.817C>T (NM_004299.3); short protein forms L232F, L233F, L246F, L272F, L273F.
Identifiers: ClinVar variation 2630358 (VCV002630358.2), dbSNP rs2519829244, ClinGen allele CA413677175.

ClinVar aggregate classification (germline): Uncertain significance. Review status: criteria provided, multiple submitters, no conflicts (2 of 4 stars). 2 submissions from 2 submitters: Uncertain significance (2). Last evaluated 2024-06-16.

Conditions:
Inborn genetic diseases. Identifiers: MedGen C0950123, MeSH D030342.
ABCB7-related disorder. Also called: ABCB7-related condition.

Submissions (2):

Ambry Genetics
Classification: Uncertain significance for Inborn genetic diseases. Last evaluated: 2024-06-16. Review status: criteria provided, single submitter. Criteria: Ambry Variant Classification Scheme 2023. Collection method: clinical testing. Allele origin: germline.

PreventionGenetics, part of Exact Sciences
Classification: Uncertain significance for ABCB7-related condition. Last evaluated: 2023-02-28. Review status: criteria provided, single submitter. Criteria: ACMG Guidelines, 2015. Collection method: clinical testing. Allele origin: germline.
Comment: The ABCB7 c.817C>T variant is predicted to result in the amino acid substitution p.Leu273Phe. To our knowledge, this variant has not been reported in the literature or in a large population database, indicating this variant is rare. At this time, the clinical significance of this variant is uncertain due to the absence of conclusive functional and genetic evidence.